The following is an entry in ClinVar:

NM_020937.4(FANCM):c.1711G>A (p.Val571Ile)

Gene: FANCM (FA complementation group M; plus strand). Cytogenetic location: 14q21.2.
Variant type: single nucleotide variant.
Coding change: c.1711G>A on transcript NM_020937.4 (MANE Select); coding-DNA position 1711, G replaced by A.
Protein change: p.Val571Ile; replaces valine 571 with isoleucine.
Molecular consequence: missense variant.
Genome position (GRCh38, 1-based): chr14:45,164,488, G>A. VCF-style: chr14-45164488-G-A. GRCh37 (hg19) VCF-style: chr14-45633691-G-A.
Other names: c.1633G>A, p.Val545Ile (NM_001308133.2); c.1711G>A, p.Val571Ile (NM_001308134.2); c.1711G>A (NM_020937.3); short protein forms V545I, V571I.
Identifiers: ClinVar variation 837121 (VCV000837121.9), dbSNP rs1887826018, ClinGen allele CA389593961.
Genomic context (GRCh38, chr14:45,164,488, plus strand): 5'-GATATAGGAGAAGTTGATCTTATAATATGTTTTGATTCCCAGAAGAGCCCAATTCGTCTT[G>A]TACAACGAATGGGTAGAACTGGCCGTAAACGTCAAGGCAGGATAGTTATTATCCTTTCTG-3'
Protein context (NP_065988.1, residues 561-581): FDSQKSPIRL[Val571Ile]QRMGRTGRKR

ClinVar aggregate classification (germline): Uncertain significance. Review status: criteria provided, multiple submitters, no conflicts (2 of 4 stars). 2 submissions from 2 submitters: Uncertain significance (2). Last evaluated 2025-09-02.

Conditions:
Fanconi anemia (FA). Also called: Fanconi's anemia. Identifiers: Orphanet 84, MedGen C0015625, MeSH D005199, MONDO:0019391.

Submissions (2):

Quest Diagnostics Nichols Institute San Juan Capistrano
Classification: Uncertain significance. Last evaluated: 2025-09-02. Review status: criteria provided, single submitter. Criteria: Quest Diagnostics criteria. Collection method: clinical testing. Allele origin: unknown.
Comment: The FANCM c.1711G>A (p.Val571Ile) variant has been reported in the published literature in a reportedly unaffected individual (PMID: 29641532 (2018)). This variant has not been reported in large, multi-ethnic general populations (Genome Aggregation Database). Analysis of this variant using bioinformatics tools for the prediction of the effect of amino acid changes on protein structure and function yielded predictions that this variant is benign. Based on the available information, we are unable to determine the clinical significance of this variant.

Labcorp Genetics (formerly Invitae), Labcorp
Classification: Uncertain significance for Fanconi anemia. Last evaluated: 2024-08-27. Review status: criteria provided, single submitter. Criteria: Invitae Variant Classification Sherloc (09022015). Collection method: clinical testing. Allele origin: germline.
Comment: This sequence change replaces valine, which is neutral and non-polar, with isoleucine, which is neutral and non-polar, at codon 571 of the FANCM protein (p.Val571Ile). This variant is not present in population databases (gnomAD no frequency). This variant has not been reported in the literature in individuals affected with FANCM-related conditions. ClinVar contains an entry for this variant (Variation ID: 837121). An algorithm developed to predict the effect of missense changes on protein structure and function outputs the following: PolyPhen-2: "Benign". The isoleucine amino acid residue is found in multiple mammalian species, which suggests that this missense change does not adversely affect protein function. In summary, the available evidence is currently insufficient to determine the role of this variant in disease. Therefore, it has been classified as a Variant of Uncertain Significance.

Literature cited by the submitters: PubMed 29641532 (cited by Quest Diagnostics Nichols Institute San Juan Capistrano).